The following is an entry in ClinVar:

NM_006172.4(NPPA):c.123G>C (p.Lys41Asn)

Genes: NPPA (natriuretic peptide A; minus strand), NPPA-AS1 (NPPA antisense RNA 1; plus strand), LOC114827827 (VISTA enhancer hs2123; plus strand). Cytogenetic location: 1p36.22.
Variant type: single nucleotide variant.
Coding change: c.123G>C on transcript NM_006172.4 (MANE Select); coding-DNA position 123, G replaced by C.
Protein change: p.Lys41Asn; replaces lysine 41 with asparagine.
Molecular consequence: missense variant. On other transcripts: non-coding transcript variant (1).
Genome position (GRCh38, 1-based): chr1:11,847,562, C>G on the plus strand (G>C on the coding strand, the complement: NPPA is on the minus strand). VCF-style: chr1-11847562-C-G. GRCh37 (hg19) VCF-style: chr1-11907619-C-G.
Other names: short protein forms K41N.
Identifiers: ClinVar variation 1428068 (VCV001428068.6), dbSNP rs147962789, ClinGen allele CA597101.

ClinVar aggregate classification (germline): Uncertain significance (1 of 4 stars; one submission).

Conditions:
Atrial fibrillation, familial, 6 (ATFB6). Identifiers: MedGen C2677294, MONDO:0012816, OMIM 612201.

Allele frequency attached by ClinVar (database versions not stated): ExAC 0.00001; gnomAD 0.00001; gnomAD exomes 0.00001; TOPMed 0.00001; ESP Exome Variant Server 0.00008.
gnomAD v4.1: 20 of 1,614,058 alleles (0.0012%); highest among the groups gnomAD compares: Non-Finnish European, 0.0016%; no homozygotes.

Submission:

Labcorp Genetics (formerly Invitae), Labcorp
Classification: Uncertain significance for Atrial fibrillation, familial, 6. Last evaluated: 2021-09-19. Review status: criteria provided, single submitter. Criteria: Invitae Variant Classification Sherloc (09022015). Collection method: clinical testing. Allele origin: germline.
Comment: In summary, the available evidence is currently insufficient to determine the role of this variant in disease. Therefore, it has been classified as a Variant of Uncertain Significance. Variants that disrupt the consensus splice site are a relatively common cause of aberrant splicing (PMID: 17576681, 9536098). Algorithms developed to predict the effect of sequence changes on RNA splicing suggest that this variant may disrupt the consensus splice site. Algorithms developed to predict the effect of missense changes on protein structure and function (SIFT, PolyPhen-2, Align-GVGD) all suggest that this variant is likely to be disruptive. This variant has not been reported in the literature in individuals affected with NPPA-related conditions. This variant is present in population databases (rs147962789, ExAC 0.001%). This sequence change replaces lysine with asparagine at codon 41 of the NPPA protein (p.Lys41Asn). The lysine residue is highly conserved and there is a moderate physicochemical difference between lysine and asparagine. This variant also falls at the last nucleotide of exon 1, which is part of the consensus splice site for this exon.

Literature cited by the submitters: PubMed 17576681; PubMed 9536098.